The following is an entry in ClinVar:

ClinVar aggregate classification (germline): Uncertain significance. Review status: criteria provided, multiple submitters, no conflicts (2 of 4 stars). 2 submissions from 2 submitters: Uncertain significance (2). Last evaluated 2025-06-30.

Conditions:
Baller-Gerold syndrome (BGS). Also called: CRANIOSYNOSTOSIS WITH RADIAL DEFECTS. Identifiers: Orphanet 1225, MedGen C0265308, MONDO:0009039, OMIM 218600.
Inborn genetic diseases. Identifiers: MedGen C0950123, MeSH D030342.

Allele frequency attached by ClinVar (database versions not stated): gnomAD exomes below 0.00001; TOPMed below 0.00001.
gnomAD v4.1: 1 of 1,565,842 alleles (0.000064%); highest among the groups gnomAD compares: Non-Finnish European, 0.000087%; no homozygotes.

Submissions (2):

Labcorp Genetics (formerly Invitae), Labcorp
Classification: Uncertain significance for Baller-Gerold syndrome. Last evaluated: 2025-06-30. Review status: criteria provided, single submitter. Criteria: Invitae Variant Classification Sherloc (09022015). Collection method: clinical testing. Allele origin: germline.
Comment: This sequence change replaces proline, which is neutral and non-polar, with leucine, which is neutral and non-polar, at codon 667 of the RECQL4 protein (p.Pro667Leu). This variant is not present in population databases (gnomAD no frequency). This variant has not been reported in the literature in individuals affected with RECQL4-related conditions. ClinVar contains an entry for this variant (Variation ID: 958444). Invitae Evidence Modeling of protein sequence and biophysical properties (such as structural, functional, and spatial information, amino acid conservation, physicochemical variation, residue mobility, and thermodynamic stability) indicates that this missense variant is not expected to disrupt RECQL4 protein function with a negative predictive value of 80%. In summary, the available evidence is currently insufficient to determine the role of this variant in disease. Therefore, it has been classified as a Variant of Uncertain Significance.

Ambry Genetics
Classification: Uncertain significance for Inborn genetic diseases. Last evaluated: 2024-11-21. Review status: criteria provided, single submitter. Criteria: Ambry Variant Classification Scheme 2023. Collection method: clinical testing. Allele origin: germline.
Comment: The p.P667L variant (also known as c.2000C>T), located in coding exon 12 of the RECQL4 gene, results from a C to T substitution at nucleotide position 2000. The proline at codon 667 is replaced by leucine, an amino acid with similar properties. This amino acid position is conserved. In addition, this alteration is predicted to be tolerated by in silico analysis. Based on the available evidence, the clinical significance of this variant remains unclear.

NM_004260.4(RECQL4):c.2000C>T (p.Pro667Leu)

Gene: RECQL4 (RecQ like helicase 4; minus strand). Cytogenetic location: 8q24.3.
Variant type: single nucleotide variant.
Coding change: c.2000C>T on transcript NM_004260.4 (MANE Select); coding-DNA position 2000, C replaced by T.
Protein change: p.Pro667Leu; replaces proline 667 with leucine.
Molecular consequence: missense variant.
Genome position (GRCh38, 1-based): chr8:144,513,986, G>A on the plus strand (C>T on the coding strand, the complement: RECQL4 is on the minus strand). VCF-style: chr8-144513986-G-A. GRCh37 (hg19) VCF-style: chr8-145739370-G-A.
Other names: short protein forms P667L.
Identifiers: ClinVar variation 958444 (VCV000958444.9), dbSNP rs1420577458, ClinGen allele CA372680331.